The following is an entry in ClinVar:

ClinVar aggregate classification (germline): Uncertain significance (1 of 4 stars; one submission).

Conditions:
Rubinstein-Taybi syndrome (RSTS). Identifiers: Orphanet 783, MedGen C0035934, MONDO:0019188.

Submission:

Labcorp Genetics (formerly Invitae), Labcorp
Classification: Uncertain significance for Rubinstein-Taybi syndrome. Last evaluated: 2025-08-02. Review status: criteria provided, single submitter. Criteria: Invitae Variant Classification Sherloc (09022015). Collection method: clinical testing. Allele origin: germline.
Comment: This sequence change replaces glycine, which is neutral and non-polar, with arginine, which is basic and polar, at codon 591 of the CREBBP protein (p.Gly591Arg). This variant is not present in population databases (gnomAD no frequency). This variant has not been reported in the literature in individuals affected with CREBBP-related conditions. Invitae Evidence Modeling of protein sequence and biophysical properties (such as structural, functional, and spatial information, amino acid conservation, physicochemical variation, residue mobility, and thermodynamic stability) indicates that this missense variant is not expected to disrupt CREBBP protein function with a negative predictive value of 95%. In summary, the available evidence is currently insufficient to determine the role of this variant in disease. Therefore, it has been classified as a Variant of Uncertain Significance.

NM_004380.3(CREBBP):c.1771G>C (p.Gly591Arg)

Gene: CREBBP (CREB binding lysine acetyltransferase; minus strand). Cytogenetic location: 16p13.3.
Variant type: single nucleotide variant.
Coding change: c.1771G>C on transcript NM_004380.3 (MANE Select); coding-DNA position 1771, G replaced by C.
Protein change: p.Gly591Arg; replaces glycine 591 with arginine.
Molecular consequence: missense variant.
Genome position (GRCh38, 1-based): chr16:3,780,784, C>G on the plus strand (G>C on the coding strand, the complement: CREBBP is on the minus strand). VCF-style: chr16-3780784-C-G. GRCh37 (hg19) VCF-style: chr16-3830785-C-G.
Other names: c.1657G>C, p.Gly553Arg (NM_001079846.1); short protein forms G591R, G553R.
Identifiers: ClinVar variation 4709777 (VCV004709777.1).
Genomic context (GRCh38, chr16:3,780,784, plus strand): 5'-TTACGTACAGTTTATGCACTAGATGGCTCCGCAGGTCCTGAGTGACATGTTCGTGCCAGC[C>G]TTTCCTTACACCGGTGCTAGAAGGAGGAGCTGCTGTTGGTATAGTGCTGAGGGTTCCAAT-3'
Protein context (NP_004371.2, residues 581-601): APPSSTGVRK[Gly591Arg]WHEHVTQDLR